The following is an entry in ClinVar:

ClinVar aggregate classification (germline): Uncertain significance. Review status: criteria provided, single submitter (1 of 4 stars). 2 submissions from 2 submitters: Uncertain significance (1). 1 of the submissions does not count toward it. Last evaluated 2021-07-27.

Conditions:
Cognitive impairment - coarse facies - heart defects - obesity - pulmonary involvement - short stature - skeletal dysplasia syndrome. Also called: COGNITIVE IMPAIRMENT, COARSE FACIES, HEART DEFECTS, OBESITY, PULMONARY INVOLVEMENT, SHORT STATURE, AND SKELETAL DYSPLASIA; Chops syndrome; AFF4-Related CHOPS Syndrome. Identifiers: Orphanet 444077, MedGen C4085597, MONDO:0014609, OMIM 616368.
AFF4-related disorder. Also called: AFF4-related condition.

Allele frequency attached by ClinVar (database versions not stated): gnomAD exomes 0.00001; ExAC 0.00002; TOPMed below 0.00001.
gnomAD v4.1: 14 of 1,613,834 alleles (0.00087%); highest among the groups gnomAD compares: Admixed American, 0.0033%; no homozygotes.

Submissions (2):

Labcorp Genetics (formerly Invitae), Labcorp
Classification: Uncertain significance for Cognitive impairment - coarse facies - heart defects - obesity - pulmonary involvement - short stature - skeletal dysplasia syndrome. Last evaluated: 2021-07-27. Review status: criteria provided, single submitter. Criteria: Invitae Variant Classification Sherloc (09022015). Collection method: clinical testing. Allele origin: germline.
Comment: In summary, the available evidence is currently insufficient to determine the role of this variant in disease. Therefore, it has been classified as a Variant of Uncertain Significance. Algorithms developed to predict the effect of missense changes on protein structure and function are either unavailable or do not agree on the potential impact of this missense change (SIFT: "Deleterious"; PolyPhen-2: "Probably Damaging"; Align-GVGD: "Class C0"). This variant has not been reported in the literature in individuals affected with AFF4-related conditions. This variant is present in population databases (rs759650836, ExAC 0.03%). This sequence change replaces arginine with tryptophan at codon 14 of the AFF4 protein (p.Arg14Trp). The arginine residue is highly conserved and there is a moderate physicochemical difference between arginine and tryptophan.

PreventionGenetics, part of Exact Sciences
Classification: Uncertain significance for AFF4-related condition. Last evaluated: 2024-05-22. Review status: no assertion criteria provided. Collection method: clinical testing. Allele origin: germline. Not counted in ClinVar's aggregate classification.
Comment: The AFF4 c.40C>T variant is predicted to result in the amino acid substitution p.Arg14Trp. To our knowledge, this variant has not been reported in the literature. This variant is reported in 0.0092% of alleles in individuals of European (Finnish) descent in gnomAD. At this time, the clinical significance of this variant is uncertain due to the absence of conclusive functional and genetic evidence.

NM_014423.4(AFF4):c.40C>T (p.Arg14Trp)

Gene: AFF4 (ALF transcription elongation factor 4; minus strand). Cytogenetic location: 5q31.1.
Variant type: single nucleotide variant.
Coding change: c.40C>T on transcript NM_014423.4 (MANE Select); coding-DNA position 40, C replaced by T.
Protein change: p.Arg14Trp; replaces arginine 14 with tryptophan.
Molecular consequence: missense variant.
Genome position (GRCh38, 1-based): chr5:132,937,150, G>A on the plus strand (C>T on the coding strand, the complement: AFF4 is on the minus strand). VCF-style: chr5-132937150-G-A. GRCh37 (hg19) VCF-style: chr5-132272842-G-A.
Other names: c.40C>T (NM_014423.3); short protein forms R14W.
Identifiers: ClinVar variation 1498559 (VCV001498559.9), dbSNP rs759650836, ClinGen allele CA3409524.